The following is an entry in ClinVar:

NM_000726.5(CACNB4):c.40G>A (p.Gly14Arg)

Genes: CACNB4 (calcium voltage-gated channel auxiliary subunit beta 4; minus strand), LOC129934925 (ATAC-STARR-seq lymphoblastoid silent region 12010; plus strand). Cytogenetic location: 2q23.3.
Variant type: single nucleotide variant.
Coding change: c.40G>A on transcript NM_000726.5 (MANE Select); coding-DNA position 40, G replaced by A.
Protein change: p.Gly14Arg; replaces glycine 14 with arginine.
Molecular consequence: missense variant.
Genome position (GRCh38, 1-based): chr2:152,098,972, C>T on the plus strand (G>A on the coding strand, the complement: CACNB4 is on the minus strand). VCF-style: chr2-152098972-C-T. GRCh37 (hg19) VCF-style: chr2-152955486-C-T.
Other names: c.40G>A, p.Gly14Arg (NM_001145798.3); short protein forms G14R.
Identifiers: ClinVar variation 804617 (VCV000804617.11), dbSNP rs573977862, ClinGen allele CA1912793.

ClinVar aggregate classification (germline): Conflicting classifications of pathogenicity. Review status: criteria provided, conflicting classifications (1 of 4 stars). 2 submissions from 2 submitters: Uncertain significance (1); Likely benign (1). Last evaluated 2022-07-26.

Conditions:
Idiopathic generalized epilepsy. Also called: Generalised epilepsy; EIG. Identifiers: MedGen C0270850, MONDO:0005579, OMIM 600669.

Allele frequency attached by ClinVar (database versions not stated): TOPMed 0.00003.
gnomAD v4.1: 33 of 1,528,902 alleles (0.0022%); highest among the groups gnomAD compares: East Asian, 0.045%; no homozygotes.

Submissions (2):

Labcorp Genetics (formerly Invitae), Labcorp
Classification: Uncertain significance for Idiopathic generalized epilepsy. Last evaluated: 2022-07-26. Review status: criteria provided, single submitter. Criteria: Invitae Variant Classification Sherloc (09022015). Collection method: clinical testing. Allele origin: germline.
Comment: In summary, the available evidence is currently insufficient to determine the role of this variant in disease. Therefore, it has been classified as a Variant of Uncertain Significance. Algorithms developed to predict the effect of missense changes on protein structure and function output the following: SIFT: "Tolerated"; PolyPhen-2: "Benign"; Align-GVGD: "Class C0". The arginine amino acid residue is found in multiple mammalian species, which suggests that this missense change does not adversely affect protein function. ClinVar contains an entry for this variant (Variation ID: 804617). This variant has not been reported in the literature in individuals affected with CACNB4-related conditions. This variant is present in population databases (rs573977862, gnomAD 0.06%). This sequence change replaces glycine, which is neutral and non-polar, with arginine, which is basic and polar, at codon 14 of the CACNB4 protein (p.Gly14Arg).

Athena Diagnostics
Classification: Likely benign. Last evaluated: 2019-07-23. Review status: criteria provided, single submitter. Criteria: Athena Diagnostics Criteria. Collection method: clinical testing. Allele origin: germline.